The following is an entry in ClinVar:

NM_001370259.2(MEN1):c.685C>T (p.Arg229Cys)

Gene: MEN1 (menin 1; minus strand). Cytogenetic location: 11q13.1.
Variant type: single nucleotide variant.
Coding change: c.685C>T on transcript NM_001370259.2 (MANE Select); coding-DNA position 685, C replaced by T.
Protein change: p.Arg229Cys; replaces arginine 229 with cysteine.
Molecular consequence: missense variant.
Genome position (GRCh38, 1-based): chr11:64,807,650, G>A on the plus strand (C>T on the coding strand, the complement: MEN1 is on the minus strand). VCF-style: chr11-64807650-G-A. GRCh37 (hg19) VCF-style: chr11-64575122-G-A.
Other names: c.700C>T, p.Arg234Cys (NM_000244.4, NM_130800.3, NM_130801.3 and 3 more transcripts); c.685C>T, p.Arg229Cys (NM_001370251.2, NM_001370260.2, NM_001370261.2 and 1 more transcripts); c.580C>T, p.Arg194Cys (NM_001370262.2, NM_001370263.2); c.700C>T (NM_000244.3); short protein forms R229C, R234C, R194C.
Identifiers: ClinVar variation 216818 (VCV000216818.27), dbSNP rs754378887, ClinGen allele CA061444.

ClinVar aggregate classification (germline): Conflicting classifications of pathogenicity. Review status: criteria provided, conflicting classifications (1 of 4 stars). 9 submissions from 9 submitters: Uncertain significance (5); Likely benign (4). Last evaluated 2026-05-26.

Conditions:
MEN1-related disorder. Also called: MEN1-related condition.
Hereditary cancer-predisposing syndrome. Also called: Neoplastic Syndromes, Hereditary; Tumor predisposition; Hereditary Cancer Syndrome; Hereditary neoplastic syndrome. Identifiers: Orphanet 140162, MedGen C0027672, MeSH D009386, MONDO:0015356.
Multiple endocrine neoplasia, type 1 (MEN1). Also called: MEN I; MEA I; WERMER SYNDROME; Endocrine adenomatosis multiple; MEN 1. Identifiers: Orphanet 652, MedGen C0025267, MeSH D018761, MONDO:0007540, OMIM 131100.

Allele frequency attached by ClinVar (database versions not stated): ExAC 0.00001; gnomAD exomes 0.00001; TOPMed 0.00003; gnomAD 0.00007.
gnomAD v4.1: 24 of 1,614,048 alleles (0.0015%); highest among the groups gnomAD compares: Admixed American, 0.012%; no homozygotes.

Submissions (9):

PreventionGenetics, part of Exact Sciences
Classification: Likely benign for MEN1-related condition. Last evaluated: 2026-05-26. Review status: criteria provided, single submitter. Criteria: ACMG Guidelines, 2015. Collection method: clinical testing. Allele origin: germline.
Comment: This variant is classified as likely benign based on ACMG/AMP sequence variant interpretation guidelines (Richards et al. 2015 PMID: 25741868, with internal and published modifications).

Labcorp Genetics (formerly Invitae), Labcorp
Classification: Likely benign for Multiple endocrine neoplasia, type 1. Last evaluated: 2026-02-03. Review status: criteria provided, single submitter. Criteria: Invitae Variant Classification Sherloc (09022015). Collection method: clinical testing. Allele origin: germline.

Color Diagnostics, LLC DBA Color Health
Classification: Uncertain significance for Multiple endocrine neoplasia, type 1. Last evaluated: 2025-06-13. Review status: criteria provided, single submitter. Criteria: ACMG Guidelines, 2015. Collection method: clinical testing. Allele origin: germline.
Comment: This missense variant replaces arginine with cysteine at codon 229 of the MEN1 protein. Computational prediction is inconclusive regarding the impact of this variant on protein structure and function. To our knowledge, functional studies have not been reported for this variant. This variant has \\\\been reported in an individual affected with MEN1 (PMID: 30339208). This variant has been identified in 2/251294 chromosomes in the general population by the Genome Aggregation Database (gnomAD). The available evidence is insufficient to determine the role of this variant in disease conclusively. Therefore, this variant is classified as a Variant of Uncertain Significance.

ARUP Laboratories, Molecular Genetics and Genomics, ARUP Laboratories
Classification: Uncertain significance. Last evaluated: 2025-03-27. Review status: criteria provided, single submitter. Criteria: ARUP Molecular Germline Variant Investigation Process 2024. Collection method: clinical testing. Allele origin: germline.
Comment: The MEN1 c.685C>T; p.Arg229Cys variant (rs754378887, ClinVar Variation ID: 216818) is reported in the literature in individuals affected with hyperparathyroidism or suspected MEN1 (Howell 2006, Romanet 2019). This variant is only observed on two alleles in the Genome Aggregation Database (v2.1.1), indicating it is not a common polymorphism. Computational analyses are uncertain whether this variant is neutral or deleterious (REVEL: 0.624). Due to limited information, the clinical significance of this variant is uncertain at this time. References: Howell VM et al. Rapid mutation screening for HRPT2 and MEN1 mutations associated with familial and sporadic primary hyperparathyroidism. J Mol Diagn. 2006 Nov;8(5):559-66. PMID: 17065424. Romanet P et al. UMD-MEN1 Database: An Overview of the 370 MEN1 Variants Present in 1676 Patients From the French Population. J Clin Endocrinol Metab. 2019 Mar 1;104(3):753-764. PMID: 30339208.

Blueprint Genetics
Classification: Likely benign. Last evaluated: 2024-05-29. Review status: criteria provided, single submitter. Criteria: ACMG Guidelines, 2015. Collection method: clinical testing. Allele origin: germline.

GeneDx
Classification: Uncertain significance. Last evaluated: 2024-02-21. Review status: criteria provided, single submitter. Criteria: GeneDx Variant Classification Process June 2021. Collection method: clinical testing. Allele origin: germline. Affected: yes.
Comment: Observed in MEN1-suspected or MEN1-affected patients (PMID: 30869828); Not observed at significant frequency in large population cohorts (gnomAD); In silico analysis supports that this missense variant does not alter protein structure/function; This variant is associated with the following publications: (PMID: 27986441, 17065424, 30869828, 9989505, 12874027)

All of Us Research Program, National Institutes of Health
Classification: Uncertain significance for Multiple endocrine neoplasia, type 1. Last evaluated: 2023-11-30. Review status: criteria provided, single submitter. Criteria: ACMG Guidelines, 2015. Collection method: clinical testing. Allele origin: germline. Inheritance: Autosomal dominant inheritance. Observed: 4 variant alleles, 4 heterozygotes.
Comment: This missense variant replaces arginine with cysteine at codon 229 of the MEN1 protein. Computational prediction is inconclusive regarding the impact of this variant on protein structure and function (internally defined REVEL score threshold 0.5 < inconclusive < 0.7, PMID: 27666373). To our knowledge, functional studies have not been reported for this variant. This variant has \been reported in an individual affected with MEN1 (PMID: 30339208). This variant has been identified in 2/251294 chromosomes in the general population by the Genome Aggregation Database (gnomAD). The available evidence is insufficient to determine the role of this variant in disease conclusively. Therefore, this variant is classified as a Variant of Uncertain Significance.

This study involves interpretation of variants in research participants for the purpose of population health screening. Participant phenotype was not available at the time of variant classification. Additional details can be found in publication PMID: 35346344, PMCID: PMC8962531

Ambry Genetics
Classification: Likely benign for Hereditary cancer-predisposing syndrome. Last evaluated: 2018-11-23. Review status: criteria provided, single submitter. Criteria: Ambry Variant Classification Scheme 2023. Collection method: clinical testing. Allele origin: germline.

Quest Diagnostics Nichols Institute San Juan Capistrano
Classification: Uncertain significance. Last evaluated: 2014-05-05. Review status: criteria provided, single submitter. Criteria: Quest Diagnostics criteria. Collection method: clinical testing. Allele origin: unknown.
Comment: The frequency of this variant in the general population, 0.000008 (2/251294 chromosomes), is uninformative in assessment of its pathogenicity. In the published literature, the variant has been reported in individuals with hyperparathyroidism (PMID: 17065424 (2006)), phaeochromocytoma (PMID: 27986441 (2017)), as well as individuals suspected of MEN1 (PMID: 30869828 (2019)). Analysis of this variant using bioinformatics tools for the prediction of the effect of amino acid changes on protein structure and function yielded conflicting predictions that this variant is deleterious or benign. Based on the available information, we are unable to determine the clinical significance of this variant.

Literature cited by the submitters: PubMed 30339208 (cited by Color Diagnostics, LLC DBA Color Health and All of Us Research Program, National Institutes of Health); PubMed 30869828 (cited by Quest Diagnostics Nichols Institute San Juan Capistrano); PubMed 17065424 (cited by Quest Diagnostics Nichols Institute San Juan Capistrano); PubMed 27986441 (cited by Quest Diagnostics Nichols Institute San Juan Capistrano).